The following is an entry in ClinVar:

ClinVar aggregate classification (germline): Uncertain significance. Review status: criteria provided, multiple submitters, no conflicts (2 of 4 stars). 2 submissions from 2 submitters: Uncertain significance (2). Last evaluated 2022-08-16.

Conditions:
Hyperammonemia, type III (NAGSD). Also called: Hyperammonemia due to N-acetylglutamate synthase deficiency. Identifiers: Orphanet 927, MedGen C0268543, MONDO:0009377, OMIM 237310.

Allele frequency attached by ClinVar (database versions not stated): gnomAD exomes 0.00021; gnomAD 0.00027; TOPMed 0.00031; 1000 Genomes Project 0.00040; 1000 Genomes Project 30x 0.00047.
gnomAD v4.1: 333 of 1,529,020 alleles (0.022%); highest among the groups gnomAD compares: Middle Eastern, 0.27%; no homozygotes.

Submissions (2):

Labcorp Genetics (formerly Invitae), Labcorp
Classification: Uncertain significance for Hyperammonemia, type III. Last evaluated: 2022-08-16. Review status: criteria provided, single submitter. Criteria: Invitae Variant Classification Sherloc (09022015). Collection method: clinical testing. Allele origin: germline.
Comment: This sequence change replaces glycine, which is neutral and non-polar, with serine, which is neutral and polar, at codon 65 of the NAGS protein (p.Gly65Ser). This variant is present in population databases (rs552391761, gnomAD 0.05%). This variant has not been reported in the literature in individuals affected with NAGS-related conditions. Algorithms developed to predict the effect of missense changes on protein structure and function output the following: SIFT: "Tolerated"; PolyPhen-2: "Benign"; Align-GVGD: "Class C0". The serine amino acid residue is found in multiple mammalian species, which suggests that this missense change does not adversely affect protein function. In summary, the available evidence is currently insufficient to determine the role of this variant in disease. Therefore, it has been classified as a Variant of Uncertain Significance.

Breakthrough Genomics
Classification: Uncertain significance. Review status: criteria provided, single submitter. Criteria: ACMG Guidelines, 2015. Collection method: not provided. Allele origin: germline. Inheritance: Autosomal recessive inheritance. Affected: yes.

NM_153006.3(NAGS):c.193G>A (p.Gly65Ser)

Gene: NAGS (N-acetylglutamate synthase; plus strand). Cytogenetic location: 17q21.31.
Variant type: single nucleotide variant.
Coding change: c.193G>A on transcript NM_153006.3 (MANE Select); coding-DNA position 193, G replaced by A.
Protein change: p.Gly65Ser; replaces glycine 65 with serine.
Molecular consequence: missense variant.
Genome position (GRCh38, 1-based): chr17:44,004,856, G>A. VCF-style: chr17-44004856-G-A. GRCh37 (hg19) VCF-style: chr17-42082224-G-A.
Other names: short protein forms G65S.
Identifiers: ClinVar variation 2071163 (VCV002071163.2), dbSNP rs552391761, ClinGen allele CA8595106.